The following is an entry in ClinVar:

NM_001018115.3(FANCD2):c.2006G>C (p.Cys669Ser)

Genes: FANCD2 (FA complementation group D2; plus strand), LOC107303338 (3p25 FANCD2 Alu-mediated recombination region; plus strand). Cytogenetic location: 3p25.3.
Variant type: single nucleotide variant.
Coding change: c.2006G>C on transcript NM_001018115.3 (MANE Select); coding-DNA position 2006, G replaced by C.
Protein change: p.Cys669Ser; replaces cysteine 669 with serine.
Molecular consequence: missense variant.
Genome position (GRCh38, 1-based): chr3:10,064,414, G>C. VCF-style: chr3-10064414-G-C. GRCh37 (hg19) VCF-style: chr3-10106098-G-C.
Other names: c.2006G>C, p.Cys669Ser (NM_001319984.2, NM_001374254.1, NM_033084.6); c.1895G>C, p.Cys632Ser (NM_001374253.1); short protein forms C632S, C669S.
Identifiers: ClinVar variation 2189172 (VCV002189172.4), dbSNP rs760963969, ClinGen allele CA2249916.
Genomic context (GRCh38, chr3:10,064,414, plus strand): 5'-AGGAATGGGTTGGGCATACCATCTGTAATGATTTCCAGGATGCCTTCGTAGTGGACTCCT[G>C]TGTTGTTCCGGAAGGGTAGGTATTGTTTACCTGCTGGCTTGGTTGCACTGGTGAAGTTAC-3'
Protein context (NP_001018125.1, residues 659-679): DFQDAFVVDS[Cys669Ser]VVPEGDFPFP

ClinVar aggregate classification (germline): Uncertain significance (1 of 4 stars; one submission).

Conditions:
Fanconi anemia (FA). Also called: Fanconi's anemia. Identifiers: Orphanet 84, MedGen C0015625, MeSH D005199, MONDO:0019391.

Allele frequency attached by ClinVar (database versions not stated): ExAC 0.00001.
gnomAD v4.1: 2 of 1,613,754 alleles (0.00012%); highest among the groups gnomAD compares: Non-Finnish European, 0.00017%; no homozygotes.

Submission:

Labcorp Genetics (formerly Invitae), Labcorp
Classification: Uncertain significance for Fanconi anemia. Last evaluated: 2022-05-05. Review status: criteria provided, single submitter. Criteria: Invitae Variant Classification Sherloc (09022015). Collection method: clinical testing. Allele origin: germline.
Comment: In summary, the available evidence is currently insufficient to determine the role of this variant in disease. Therefore, it has been classified as a Variant of Uncertain Significance. Algorithms developed to predict the effect of missense changes on protein structure and function output the following: SIFT: "Tolerated"; PolyPhen-2: "Benign"; Align-GVGD: "Class C0". The serine amino acid residue is found in multiple mammalian species, which suggests that this missense change does not adversely affect protein function. This variant has not been reported in the literature in individuals affected with FANCD2-related conditions. This variant is present in population databases (rs760963969, gnomAD 0.0009%). This sequence change replaces cysteine, which is neutral and slightly polar, with serine, which is neutral and polar, at codon 669 of the FANCD2 protein (p.Cys669Ser).